The following is an entry in ClinVar:

ClinVar aggregate classification (germline): Uncertain significance (1 of 4 stars; one submission).

Conditions:
Inborn genetic diseases. Identifiers: MedGen C0950123, MeSH D030342.

Submission:

Ambry Genetics
Classification: Uncertain significance for Inborn genetic diseases. Last evaluated: 2021-06-30. Review status: criteria provided, single submitter. Criteria: Ambry Variant Classification Scheme 2023. Collection method: clinical testing. Allele origin: germline.
Comment: The c.3392+4G>A intronic alteration consists of a G to A substitution 4 nucleotides after exon 23 of the DCC gene. Based on insufficient or conflicting evidence, the clinical significance of this alteration remains unclear.

NM_005215.4(DCC):c.3392+4G>A

Gene: DCC (DCC netrin 1 receptor; plus strand). Cytogenetic location: 18q21.2.
Variant type: single nucleotide variant.
Coding change: c.3392+4G>A on transcript NM_005215.4 (MANE Select); 4 bases into the intron after coding-DNA position 3392, G replaced by A.
Molecular consequence: intron variant.
Genome position (GRCh38, 1-based): chr18:53,450,666, G>A. VCF-style: chr18-53450666-G-A. GRCh37 (hg19) VCF-style: chr18-50977036-G-A.
Identifiers: ClinVar variation 2231833 (VCV002231833.2), dbSNP rs1485137186, ClinGen allele CA629979218.